The following is an entry in ClinVar:

NM_138420.4(AHNAK2):c.12377_12378del (p.Val4126fs)

Gene: AHNAK2 (AHNAK nucleoprotein 2; minus strand). Cytogenetic location: 14q32.33.
Variant type: Microsatellite.
Coding change: c.12377_12378del on transcript NM_138420.4 (MANE Select); coding-DNA positions 12377 to 12378, 2 bases deleted (TG; older notation c.12377_12378delTG).
Protein change: p.Val4126fs; shifts the reading frame from valine 4126.
Molecular consequence: frameshift variant.
Genome position (GRCh38, 1-based): chr14:104,943,073-104,943,074, CA deleted on the plus strand (TG on the coding strand, the reverse complement: AHNAK2 is on the minus strand); deleting any 2 consecutive bases within chr14:104,943,073-104,943,076 gives the same sequence; the c. name uses the placement nearest the transcript's 3' end. VCF-style (leftmost placement, unchanged base first): chr14-104943072-TCA-T. GRCh37 (hg19) VCF-style: chr14-105409409-TCA-T.
Other names: c.12077_12078del, p.Val4026fs (NM_001350929.2); short protein forms V4026fs, V4126fs.
Identifiers: ClinVar variation 2644644 (VCV002644644.24), dbSNP rs199609161, ClinGen allele CA7378364.

ClinVar aggregate classification (germline): Likely benign (1 of 4 stars; one submission).

Submission:

CeGaT Center for Human Genetics Tuebingen
Classification: Likely benign. Last evaluated: 2026-06-01. Review status: criteria provided, single submitter. Criteria: CeGaT Center For Human Genetics Tuebingen Variant Classification Criteria Version 2. Collection method: clinical testing. Allele origin: germline. Affected: yes. Observed: 4 variant alleles.
Comment: AHNAK2: BP4